The following is an entry in ClinVar:

ClinVar aggregate classification (germline): Benign/Likely benign. Review status: criteria provided, multiple submitters, no conflicts (2 of 4 stars). 5 submissions from 5 submitters: Benign (2); Likely benign (2). 1 of the submissions does not count toward it. Last evaluated 2025-10-06.

Conditions:
COQ8A-related disorder. Also called: COQ8A-related condition.
Autosomal recessive ataxia due to ubiquinone deficiency. Also called: Coenzyme Q10 deficiency, primary, 4; SPINOCEREBELLAR ATAXIA, AUTOSOMAL RECESSIVE 9. Identifiers: Orphanet 139485, MedGen C2677589, MONDO:0012784, OMIM 612016.

Allele frequency attached by ClinVar (database versions not stated): gnomAD 0.00001 and 0.00024; TOPMed 0.00005; gnomAD exomes 0.00082; ExAC 0.00094; 1000 Genomes Project 30x 0.00250; 1000 Genomes Project 0.00300.
gnomAD v4.1: 609 of 1,604,954 alleles (0.038%); highest among the groups gnomAD compares: South Asian, 0.63%; 5 homozygotes.

Submissions (5):

Labcorp Genetics (formerly Invitae), Labcorp
Classification: Benign. Last evaluated: 2025-10-06. Review status: criteria provided, single submitter. Criteria: Invitae Variant Classification Sherloc (09022015). Collection method: clinical testing. Allele origin: germline.

Blueprint Genetics
Classification: Likely benign. Last evaluated: 2024-11-18. Review status: criteria provided, single submitter. Criteria: ACMG Guidelines, 2015. Collection method: clinical testing. Allele origin: germline.

Dubai Health Genomic Medicine Center, Dubai Health
Classification: Likely benign for Autosomal recessive ataxia due to ubiquinone deficiency. Last evaluated: 2020-07-23. Review status: criteria provided, single submitter. Criteria: ACMG Guidelines, 2015. Collection method: clinical testing. Allele origin: germline. Affected: yes.

GeneDx
Classification: Benign. Last evaluated: 2014-03-28. Review status: criteria provided, single submitter. Criteria: GeneDx Variant Classification (06012015). Collection method: clinical testing. Allele origin: germline. Affected: yes.
Comment: This variant is considered likely benign or benign based on one or more of the following criteria: it is a conservative change, it occurs at a poorly conserved position in the protein, it is predicted to be benign by multiple in silico algorithms, and/or has population frequency not consistent with disease.

PreventionGenetics, part of Exact Sciences
Classification: Likely benign for COQ8A-related condition. Last evaluated: 2022-03-07. Review status: no assertion criteria provided. Collection method: clinical testing. Allele origin: germline. Not counted in ClinVar's aggregate classification.
Comment: This variant is classified as likely benign based on ACMG/AMP sequence variant interpretation guidelines (Richards et al. 2015 PMID: 25741868, with internal and published modifications).

NM_020247.5(COQ8A):c.1399-12C>T

Gene: COQ8A (coenzyme Q8A; plus strand). Cytogenetic location: 1q42.13.
Variant type: single nucleotide variant.
Coding change: c.1399-12C>T on transcript NM_020247.5 (MANE Select); 12 bases into the intron before coding-DNA position 1399, C replaced by T.
Molecular consequence: intron variant.
Genome position (GRCh38, 1-based): chr1:226,984,536, C>T. VCF-style: chr1-226984536-C-T. GRCh37 (hg19) VCF-style: chr1-227172237-C-T.
Identifiers: ClinVar variation 136304 (VCV000136304.14), dbSNP rs377529632, ClinGen allele CA289313.